The following is an entry in ClinVar:

ClinVar aggregate classification (germline): Pathogenic (1 of 4 stars; one submission).

Submission:

Quest Diagnostics Nichols Institute San Juan Capistrano
Classification: Pathogenic. Last evaluated: 2024-11-21. Review status: criteria provided, single submitter. Criteria: ACMG/ClinGen CNV Guidelines, 2019. Collection method: clinical testing. Allele origin: unknown.
Comment: Deletions contained within this distal portion of 21q22.3 have been identified in individuals with variable phenotypes (Guion-Almeida 2012, Firth 2009, Kaminsky 2011, Poelmans 2009, Xu 2018). Additionally, sequence variants and deletions involving DIP2A (OMIM 607711) have been identified in individuals with a range of neurodevelopmental disorders (CCID:006989). There are no similar copy number losses of this region in the general populations of the Database of Genomic Variants. Thus, this CNV is classified as pathogenic. References: Guion-Almeida et al., Am J Med Genet A. 2012 Jul;158A(7):1676-9. PMID: 22628242 Firth et al., Am J Hum Genet. 2009 Apr;84(4):524-33. PMID: 19344873 Kaminsky et al., Genet Med. 2011 Sep;13(9):777-84. PMID: 21844811 Poelmans et al., Am J Med Genet B Neuropsychiatr Genet. 2009 Jan 5;150B(1):140-7. PMID: 18521840 Xu et al., Int J Clin Exp Pathol. 2018 Jul 1;11(7):3732-3743. PMID: 31949757

GRCh37/hg19 21q22.3(chr21:45866973-48097372)x1

Genes: KRTAP10-2 (keratin associated protein 10-2; minus strand), KRTAP10-3 (keratin associated protein 10-3; minus strand), KRTAP10-4 (keratin associated protein 10-4; plus strand), KRTAP10-5 (keratin associated protein 10-5; minus strand), LRRC3 (leucine rich repeat containing 3; plus strand) and 38 more. Cytogenetic location: 21q22.3.
Variant type: copy number loss.
Change: copy number 1 (one copy instead of two) of chr21:45,866,973-48,097,372 (2.23 Mb, GRCh37 coordinates, 1-based), cytogenetic band 21q22.3.
Identifiers: ClinVar variation 816180 (VCV000816180.2).